The following is an entry in ClinVar:

ClinVar aggregate classification (germline): Uncertain significance (1 of 4 stars; one submission).

Submission:

GeneDx
Classification: Uncertain significance. Last evaluated: 2024-01-25. Review status: criteria provided, single submitter. Criteria: GeneDx Variant Classification Process June 2021. Collection method: clinical testing. Allele origin: germline. Affected: yes.
Comment: Not observed at significant frequency in large population cohorts (gnomAD); In silico analysis supports that this missense variant has a deleterious effect on protein structure/function; Has not been previously published as pathogenic or benign to our knowledge

NM_001448.3(GPC4):c.335T>G (p.Leu112Arg)

Gene: GPC4 (glypican 4; minus strand). Cytogenetic location: Xq26.2.
Variant type: single nucleotide variant.
Coding change: c.335T>G on transcript NM_001448.3 (MANE Select); coding-DNA position 335, T replaced by G.
Protein change: p.Leu112Arg; replaces leucine 112 with arginine.
Molecular consequence: missense variant.
Genome position (GRCh38, 1-based): chrX:133,324,521, A>C on the plus strand (T>G on the coding strand, the complement: GPC4 is on the minus strand). VCF-style: chrX-133324521-A-C. GRCh37 (hg19) VCF-style: chrX-132458549-A-C.
Other names: short protein forms L112R.
Identifiers: ClinVar variation 3368348 (VCV003368348.1).